The following is an entry in ClinVar:

ClinVar aggregate classification (germline): Pathogenic (1 of 4 stars; one submission).

Conditions:
Deficiency of malonyl-CoA decarboxylase. Also called: Malonic aciduria; MCD deficiency. Identifiers: Orphanet 943, MedGen C0342793, MONDO:0009556, OMIM 248360.

Submission:

Labcorp Genetics (formerly Invitae), Labcorp
Classification: Pathogenic for Deficiency of malonyl-CoA decarboxylase. Last evaluated: 2023-10-27. Review status: criteria provided, single submitter. Criteria: Invitae Variant Classification Sherloc (09022015). Collection method: clinical testing. Allele origin: germline.
Comment: This sequence change creates a premature translational stop signal (p.Tyr54*) in the MLYCD gene. It is expected to result in an absent or disrupted protein product. Loss-of-function variants in MLYCD are known to be pathogenic (PMID: 12955715, 17186413). This variant is not present in population databases (gnomAD no frequency). This variant has not been reported in the literature in individuals affected with MLYCD-related conditions. For these reasons, this variant has been classified as Pathogenic.

Literature cited by the submitters: PubMed 12955715; PubMed 17186413.

NM_012213.3(MLYCD):c.162C>A (p.Tyr54Ter)

Genes: MLYCD (malonyl-CoA decarboxylase; plus strand), LOC130059554 (ATAC-STARR-seq lymphoblastoid silent region 7769; plus strand). Cytogenetic location: 16q23.3.
Variant type: single nucleotide variant.
Coding change: c.162C>A on transcript NM_012213.3 (MANE Select); coding-DNA position 162, C replaced by A.
Protein change: p.Tyr54Ter; replaces tyrosine 54 with a stop codon.
Molecular consequence: nonsense.
Genome position (GRCh38, 1-based): chr16:83,899,306, C>A. VCF-style: chr16-83899306-C-A. GRCh37 (hg19) VCF-style: chr16-83932911-C-A.
Other names: short protein forms Y54*.
Identifiers: ClinVar variation 2772013 (VCV002772013.3), dbSNP rs1906688548, ClinGen allele CA396917767.
Genomic context (GRCh38, chr16:83,899,306, plus strand): 5'-CGCCCTGGAGCGGGCCATGGACGAGCTGCTGCGCCGCGCGGTGCCGCCGACGCCGGCCTA[C>A]GAGCTGCGCGAGAAGACACCGGCGCCCGCCGAGGGTCAGTGCGCGGACTTCGTGAGCTTC-3'